The following is an entry in ClinVar:

NM_015175.3(NBEAL2):c.6468T>A (p.Tyr2156Ter)

Gene: NBEAL2 (neurobeachin like 2; plus strand). Cytogenetic location: 3p21.31.
Variant type: single nucleotide variant.
Coding change: c.6468T>A on transcript NM_015175.3 (MANE Select); coding-DNA position 6468, T replaced by A.
Protein change: p.Tyr2156Ter; replaces tyrosine 2156 with a stop codon.
Molecular consequence: nonsense.
Genome position (GRCh38, 1-based): chr3:47,005,229, T>A. VCF-style: chr3-47005229-T-A. GRCh37 (hg19) VCF-style: chr3-47046719-T-A.
Other names: c.6366T>A, p.Tyr2122Ter (NM_001365116.2); short protein forms Y2122*, Y2156*.
Identifiers: ClinVar variation 1684442 (VCV001684442.1), dbSNP rs2107437335, ClinGen allele CA352532041.

ClinVar aggregate classification (germline): Likely pathogenic (0 of 4 stars; one submission).

Conditions:
Gray platelet syndrome (GPS). Also called: BLEEDING DISORDER, PLATELET-TYPE, 4. Identifiers: Orphanet 721, MedGen C0272302, MONDO:0007686, OMIM 139090.

Submission:

ISTH-SSC Genomics in Thrombosis and Hemostasis, KU Leuven, Center for Molecular and Vascular Biology
Classification: Likely pathogenic for Gray platelet syndrome. Review status: no assertion criteria provided. Collection method: research. Allele origin: unknown. Affected: yes.
Comment: Submitted to GoldVariant by Dr Marie-Christine Morel-Kopp from Northern Blood Research Centre, Sydney, Australia